The following is an entry in ClinVar:

NM_152564.5(VPS13B):c.1711_1713del (p.Glu571del)

Gene: VPS13B (vacuolar protein sorting 13 homolog B; plus strand). Cytogenetic location: 8q22.2.
Variant type: Deletion.
Coding change: c.1711_1713del on transcript NM_152564.5 (MANE Select); coding-DNA positions 1711 to 1713, 3 bases deleted (GAG; older notation c.1711_1713delGAG).
Protein change: p.Glu571del; deletes glutamic acid 571.
Molecular consequence: inframe deletion.
Genome position (GRCh38, 1-based): chr8:99,143,033-99,143,035, GAG deleted; deleting any 3 consecutive bases within chr8:99,143,031-99,143,035 gives the same sequence; the c. name uses the placement nearest the transcript's 3' end. VCF-style (leftmost placement, unchanged base first): chr8-99143030-CAGG-C. GRCh37 (hg19) VCF-style: chr8-100155258-CAGG-C.
Other names: c.1711_1713del, p.Glu571del (NM_015243.3, NM_017890.5); short protein forms E571del.
Identifiers: ClinVar variation 1778567 (VCV001778567.5), dbSNP rs777176713, ClinGen allele CA4822722.

ClinVar aggregate classification (germline): Uncertain significance. Review status: criteria provided, multiple submitters, no conflicts (2 of 4 stars). 2 submissions from 2 submitters: Uncertain significance (2). Last evaluated 2023-08-17.

Conditions:
Inborn genetic diseases. Identifiers: MedGen C0950123, MeSH D030342.
Cohen syndrome (COH1). Also called: PEPPER SYNDROME; Cutis verticis gyrata, retinitis pigmentosa, and sensorineural deafness. Identifiers: Orphanet 193, MedGen C0265223, MONDO:0008999, OMIM 216550.

Submissions (2):

Labcorp Genetics (formerly Invitae), Labcorp
Classification: Uncertain significance for Cohen syndrome. Last evaluated: 2023-08-17. Review status: criteria provided, single submitter. Criteria: Invitae Variant Classification Sherloc (09022015). Collection method: clinical testing. Allele origin: germline.
Comment: This variant, c.1711_1713del, results in the deletion of 1 amino acid(s) of the VPS13B protein (p.Glu571del), but otherwise preserves the integrity of the reading frame. This variant is present in population databases (rs777176713, gnomAD 0.02%). This variant has not been reported in the literature in individuals affected with VPS13B-related conditions. ClinVar contains an entry for this variant (Variation ID: 1778567). Experimental studies and prediction algorithms are not available or were not evaluated, and the functional significance of this variant is currently unknown. In summary, the available evidence is currently insufficient to determine the role of this variant in disease. Therefore, it has been classified as a Variant of Uncertain Significance.

Ambry Genetics
Classification: Uncertain significance for Inborn genetic diseases. Last evaluated: 2017-09-15. Review status: criteria provided, single submitter. Criteria: Ambry Variant Classification Scheme 2023. Collection method: clinical testing. Allele origin: germline.
Comment: The c.1711_1713delGAG variant (also known as p.E571del) is located in coding exon 12 of the VPS13B gene. This variant results from an in-frame GAG deletion at nucleotide positions 1711 to 1713. This results in the in-frame deletion of a glutamic acid at codon 571. This nucleotide position is not well conserved in available vertebrate species. In addition, this alteration is predicted to be deleterious by Provean in silico analyses. Since supporting evidence is limited at this time, the clinical significance of this alteration remains unclear.